The following is an entry in ClinVar:

NM_001123385.2(BCOR):c.3633G>A (p.Leu1211=)

Gene: BCOR (BCL6 corepressor; minus strand). Cytogenetic location: Xp11.4.
Variant type: single nucleotide variant.
Coding change: c.3633G>A on transcript NM_001123385.2 (MANE Select); coding-DNA position 3633, G replaced by A.
Protein change: p.Leu1211=; no amino-acid change (leucine 1211 retained).
Molecular consequence: synonymous variant.
Genome position (GRCh38, 1-based): chrX:40,063,822, C>T on the plus strand (G>A on the coding strand, the complement: BCOR is on the minus strand). VCF-style: chrX-40063822-C-T. GRCh37 (hg19) VCF-style: chrX-39923075-C-T.
Other names: c.3531G>A, p.Leu1177= (NM_001123383.2, NM_017745.6); c.3477G>A, p.Leu1159= (NM_001123384.2).
Identifiers: ClinVar variation 2082856 (VCV002082856.6), dbSNP rs150061973, ClinGen allele CA10386576.

ClinVar aggregate classification (germline): Benign/Likely benign. Review status: criteria provided, multiple submitters, no conflicts (2 of 4 stars). 2 submissions from 2 submitters: Benign (1); Likely benign (1). Last evaluated 2026-06-01.

Conditions:
Oculofaciocardiodental syndrome (MCOPS2). Identifiers: Orphanet 2712, MedGen C1846265, MONDO:0010261, OMIM 300166.

Allele frequency attached by ClinVar (database versions not stated): gnomAD exomes 0.00002; ExAC 0.00008; TOPMed 0.00017; gnomAD 0.00019; 1000 Genomes Project 0.00026; 1000 Genomes Project 30x 0.00042; ESP Exome Variant Server 0.00047.
gnomAD v4.1: 42 of 1,210,258 alleles (0.0035%); highest among the groups gnomAD compares: African/African-American, 0.066%; no homozygotes.

Submissions (2):

CeGaT Center for Human Genetics Tuebingen
Classification: Likely benign. Last evaluated: 2026-06-01. Review status: criteria provided, single submitter. Criteria: CeGaT Center For Human Genetics Tuebingen Variant Classification Criteria Version 2. Collection method: clinical testing. Allele origin: germline. Affected: yes. Observed: 1 variant allele.
Comment: BCOR: BP4, BS2

Labcorp Genetics (formerly Invitae), Labcorp
Classification: Benign for Oculofaciocardiodental syndrome. Last evaluated: 2022-06-14. Review status: criteria provided, single submitter. Criteria: Invitae Variant Classification Sherloc (09022015). Collection method: clinical testing. Allele origin: germline.